The following is an entry in ClinVar:

ClinVar aggregate classification (germline): Pathogenic (1 of 4 stars; one submission).

Conditions:
Retinoblastoma (RB1). Also called: RETINOBLASTOMA, SOMATIC. Identifiers: Orphanet 790, MedGen C0035335, MeSH D012175, MONDO:0008380, OMIM 180200, HP:0009919. Disease mechanism: loss of function. Inheritance: Both sporadic and heritable forms are tested..

Submission:

Labcorp Genetics (formerly Invitae), Labcorp
Classification: Pathogenic for Retinoblastoma. Last evaluated: 2021-02-25. Review status: criteria provided, single submitter. Criteria: Invitae Variant Classification Sherloc (09022015). Collection method: clinical testing. Allele origin: germline.
Comment: This sequence change affects a donor splice site in intron 9 of the RB1 gene. It is expected to disrupt RNA splicing. Variants that disrupt the donor or acceptor splice site typically lead to a loss of protein function (PMID: 16199547), and loss-of-function variants in RB1 are known to be pathogenic (PMID: 17096365). This variant is not present in population databases (ExAC no frequency). ClinVar contains an entry for this variant (Variation ID: 848134). Algorithms developed to predict the effect of sequence changes on RNA splicing suggest that this variant may disrupt the consensus splice site, but this prediction has not been confirmed by published transcriptional studies. For these reasons, this variant has been classified as Pathogenic.

Literature cited by the submitters: PubMed 16199547; PubMed 17096365.

NM_000321.3(RB1):c.939+2T>C

Gene: RB1 (RB transcriptional corepressor 1; plus strand). Cytogenetic location: 13q14.2.
Variant type: single nucleotide variant.
Coding change: c.939+2T>C on transcript NM_000321.3 (MANE Select); the canonical splice donor site of the intron after coding-DNA position 939, T replaced by C.
Molecular consequence: splice donor variant.
Genome position (GRCh38, 1-based): chr13:48,364,973, T>C. VCF-style: chr13-48364973-T-C. GRCh37 (hg19) VCF-style: chr13-48939109-T-C.
Other names: c.939+2T>C (NM_001407165.1, NM_001407166.1).
Identifiers: ClinVar variation 848134 (VCV000848134.10), dbSNP rs1952680837, ClinGen allele CA388160110.